The following is an entry in ClinVar:

NM_020759.3(STARD9):c.9416A>G (p.Gln3139Arg)

Gene: STARD9 (StAR related lipid transfer domain containing 9; plus strand). Cytogenetic location: 15q15.2.
Variant type: single nucleotide variant.
Coding change: c.9416A>G on transcript NM_020759.3 (MANE Select); coding-DNA position 9416, A replaced by G.
Protein change: p.Gln3139Arg; replaces glutamine 3139 with arginine.
Molecular consequence: missense variant.
Genome position (GRCh38, 1-based): chr15:42,690,994, A>G. VCF-style: chr15-42690994-A-G. GRCh37 (hg19) VCF-style: chr15-42983192-A-G.
Other names: short protein forms Q3139R.
Identifiers: ClinVar variation 2342436 (VCV002342436.15), dbSNP rs202070432, ClinGen allele CA7514662.

ClinVar aggregate classification (germline): Conflicting classifications of pathogenicity. Review status: criteria provided, conflicting classifications (1 of 4 stars). 2 submissions from 2 submitters: Uncertain significance (1); Likely benign (1). Last evaluated 2025-01-01.

Allele frequency attached by ClinVar (database versions not stated): 1000 Genomes Project 0.00020; ExAC 0.00046; 1000 Genomes Project 30x 0.00047; TOPMed 0.00094; gnomAD 0.00097; gnomAD exomes 0.00188.
gnomAD v4.1: 2,750 of 1,537,136 alleles (0.18%); highest among the groups gnomAD compares: Non-Finnish European, 0.23%; 4 homozygotes.

Submissions (2):

CeGaT Center for Human Genetics Tuebingen
Classification: Likely benign. Last evaluated: 2025-01-01. Review status: criteria provided, single submitter. Criteria: CeGaT Center For Human Genetics Tuebingen Variant Classification Criteria Version 2. Collection method: clinical testing. Allele origin: germline. Affected: yes. Observed: 1 variant allele.
Comment: STARD9: BP4

Ambry Genetics
Classification: Uncertain significance. Last evaluated: 2021-07-06. Review status: criteria provided, single submitter. Criteria: Ambry Variant Classification Scheme 2023. Collection method: clinical testing. Allele origin: germline.